The following is an entry in ClinVar:

ClinVar aggregate classification (germline): Uncertain significance (1 of 4 stars; one submission).

Conditions:
Cardiovascular phenotype. Identifiers: MedGen CN230736.

gnomAD v4.1: 4 of 1,614,092 alleles (0.00025%); highest among the groups gnomAD compares: Non-Finnish European, 0.00034%; no homozygotes.

Submission:

Ambry Genetics
Classification: Uncertain significance for Cardiovascular phenotype. Last evaluated: 2025-12-17. Review status: criteria provided, single submitter. Criteria: Ambry Variant Classification Scheme 2023. Collection method: clinical testing. Allele origin: germline.
Comment: The p.I683R variant (also known as c.2048T>G), located in coding exon 10 of the PKP2 gene, results from a T to G substitution at nucleotide position 2048. The isoleucine at codon 683 is replaced by arginine, an amino acid with similar properties. This variant was reported in individual(s) with features consistent with arrhythmogenic right ventricular cardiomyopathy (ARVC) (Nagyova E et al. J Cardiovasc Transl Res, 2023 Dec;16:1276-1286). This amino acid position is not well conserved in available vertebrate species. In addition, the in silico prediction for this alteration is inconclusive. Based on the available evidence, the clinical significance of this variant remains unclear.

Literature cited by the submitters: PubMed 37418234.

NM_001005242.3(PKP2):c.1916T>G (p.Ile639Arg)

Gene: PKP2 (plakophilin 2; minus strand). Cytogenetic location: 12p11.21.
Variant type: single nucleotide variant.
Coding change: c.1916T>G on transcript NM_001005242.3 (MANE Select); coding-DNA position 1916, T replaced by G.
Protein change: p.Ile639Arg; replaces isoleucine 639 with arginine.
Molecular consequence: missense variant.
Genome position (GRCh38, 1-based): chr12:32,821,453, A>C on the plus strand (T>G on the coding strand, the complement: PKP2 is on the minus strand). VCF-style: chr12-32821453-A-C. GRCh37 (hg19) VCF-style: chr12-32974387-A-C.
Other names: c.1916T>G, p.Ile639Arg (NM_001407155.1, NM_001407161.1); c.1751T>G, p.Ile584Arg (NM_001407156.1); c.2048T>G, p.Ile683Arg (NM_001407157.1, NM_004572.4); c.1589T>G, p.Ile530Arg (NM_001407158.1, NM_001407159.1, NM_001407160.1 and 1 more transcripts); short protein forms I530R, I683R, I584R, I639R.
Identifiers: ClinVar variation 4842323 (VCV004842323.1).
Genomic context (GRCh38, chr12:32,821,453, plus strand): 5'-AAGGATGCTTCTTGTGTGTAGTTGCGGACACTTTTGGCGATCAAGGACAGATACATCCTT[A>C]TAACAATGGAATGCCACAGCCACTCCACGCCCTTGGGGTTGCTCTTTTCCTCCGGCATCG-3'
Protein context (NP_001005242.2, residues 629-649): GVEWLWHSIV[Ile639Arg]RMYLSLIAKS